The following is an entry in ClinVar:

ClinVar aggregate classification (germline): Likely pathogenic (1 of 4 stars; one submission).

Conditions:
Familial thoracic aortic aneurysm and aortic dissection (TAAD). Also called: Thoracic aortic aneurysms and dissections. Identifiers: Orphanet 91387, MedGen C4707243, MONDO:0019625.

Submission:

Ambry Genetics
Classification: Likely pathogenic for Familial thoracic aortic aneurysm and aortic dissection. Last evaluated: 2017-07-20. Review status: criteria provided, single submitter. Criteria: Ambry Variant Classification Scheme 2023. Collection method: clinical testing. Allele origin: germline.
Comment: The c.8607delG variant, located in coding exon 65 of the FBN1 gene, results from a deletion of one nucleotide at nucleotide position 8607, causing a translational frameshift with a predicted alternate stop codon (p.L2869Ffs*21). Frameshifts are typically deleterious in nature, however, this alteration is not expected to trigger nonsense-mediated mRNA decay as it affects only the last three amino acids at the 3' terminus and elongates the protein by 17 amino acids. Although the exact functional impact of these inserted amino acids is unknown, this alteration is located in the C-terminal propeptide, which has been shown to be essential for efficient protein secretion (Jensen SA et al. Proc. Natl. Acad. Sci. U.S.A., 2014 Jul;111:10155-60). In addition, another frameshift alteration (c.8605_8606delTT p.L2869Afs*11) which also changes the last three amino acids and elongates the protein by seven amino acids, has been reported in a child with clinical features of Marfan (Lerner-Ellis JP et al. Mol. Genet. Metab., 2014 Jun;112:171-6). Based on the majority of available evidence to date, this variant is likely to be pathogenic.

Literature cited by the submitters: PubMed 24793577; PubMed 24982166.

NM_000138.5(FBN1):c.8607del (p.Leu2869fs)

Gene: FBN1 (fibrillin 1; minus strand). Cytogenetic location: 15q21.1.
Variant type: Deletion.
Coding change: c.8607del on transcript NM_000138.5 (MANE Select); coding-DNA position 8607, one base deleted (G; older notation c.8607delG).
Protein change: p.Leu2869fs; shifts the reading frame from leucine 2869.
Molecular consequence: frameshift variant.
Genome position (GRCh38, 1-based): chr15:48,410,999, C deleted on the plus strand (G on the coding strand, the reverse complement: FBN1 is on the minus strand). VCF-style (leftmost placement, unchanged base first): chr15-48410998-GC-G. GRCh37 (hg19) VCF-style: chr15-48703195-GC-G.
Other names: c.8607delG, p.Leu2869Phefs (NM_001406716.1); short protein forms L2869fs.
Identifiers: ClinVar variation 1764028 (VCV001764028.2), dbSNP rs2505370199, ClinGen allele CA2580089536.